The following is an entry in ClinVar:

NM_006389.5(HYOU1):c.287C>T (p.Thr96Met)

Gene: HYOU1 (hypoxia up-regulated 1; minus strand). Cytogenetic location: 11q23.3.
Variant type: single nucleotide variant.
Coding change: c.287C>T on transcript NM_006389.5 (MANE Select); coding-DNA position 287, C replaced by T.
Protein change: p.Thr96Met; replaces threonine 96 with methionine.
Molecular consequence: missense variant.
Genome position (GRCh38, 1-based): chr11:119,055,317, G>A on the plus strand (C>T on the coding strand, the complement: HYOU1 is on the minus strand). VCF-style: chr11-119055317-G-A. GRCh37 (hg19) VCF-style: chr11-118926029-G-A.
Other names: c.287C>T, p.Thr96Met (NM_001130991.3, NM_001411041.1); c.287C>T (NM_006389.3); short protein forms T96M.
Identifiers: ClinVar variation 2142945 (VCV002142945.5), dbSNP rs958904843, ClinGen allele CA229649018.

ClinVar aggregate classification (germline): Uncertain significance. Review status: criteria provided, multiple submitters, no conflicts (2 of 4 stars). 2 submissions from 2 submitters: Uncertain significance (2). Last evaluated 2024-06-13.

Allele frequency attached by ClinVar (database versions not stated): gnomAD exomes 0.00001; TOPMed 0.00008; gnomAD 0.00017.
gnomAD v4.1: 45 of 1,613,638 alleles (0.0028%); highest among the groups gnomAD compares: Admixed American, 0.05%; no homozygotes.

Submissions (2):

Ambry Genetics
Classification: Uncertain significance. Last evaluated: 2024-06-13. Review status: criteria provided, single submitter. Criteria: Ambry Variant Classification Scheme 2023. Collection method: clinical testing. Allele origin: germline.

Labcorp Genetics (formerly Invitae), Labcorp
Classification: Uncertain significance. Last evaluated: 2023-04-20. Review status: criteria provided, single submitter. Criteria: Invitae Variant Classification Sherloc (09022015). Collection method: clinical testing. Allele origin: germline.
Comment: ClinVar contains an entry for this variant (Variation ID: 2142945). This variant has not been reported in the literature in individuals affected with HYOU1-related conditions. This variant is present in population databases (no rsID available, gnomAD 0.01%). This sequence change replaces threonine, which is neutral and polar, with methionine, which is neutral and non-polar, at codon 96 of the HYOU1 protein (p.Thr96Met). An algorithm developed to predict the effect of missense changes on protein structure and function (PolyPhen-2) suggests that this variant is likely to be tolerated. In summary, the available evidence is currently insufficient to determine the role of this variant in disease. Therefore, it has been classified as a Variant of Uncertain Significance.